The following is an entry in ClinVar:

NM_001123396.4(CCR2):c.648C>T (p.Leu216=)

Gene: CCR2 (C-C motif chemokine receptor 2; plus strand). Cytogenetic location: 3p21.31.
Variant type: single nucleotide variant.
Coding change: c.648C>T on transcript NM_001123396.4 (MANE Select); coding-DNA position 648, C replaced by T.
Protein change: p.Leu216=; no amino-acid change (leucine 216 retained).
Molecular consequence: synonymous variant.
Genome position (GRCh38, 1-based): chr3:46,358,175, C>T. VCF-style: chr3-46358175-C-T. GRCh37 (hg19) VCF-style: chr3-46399666-C-T.
Other names: c.648C>T, p.Leu216= (NM_001123041.3).
Identifiers: ClinVar variation 3042378 (VCV003042378.2), dbSNP rs760736040, ClinGen allele CA2354379.

ClinVar aggregate classification (germline): Likely benign (0 of 4 stars; one submission).

Conditions:
CCR2-related disorder. Also called: CCR2-related condition.

Allele frequency attached by ClinVar (database versions not stated): TOPMed 0.00009; ExAC 0.00012; gnomAD 0.00015.
gnomAD v4.1: 137 of 1,614,192 alleles (0.0085%); highest among the groups gnomAD compares: Middle Eastern, 0.082%; 1 homozygote.

Submission:

PreventionGenetics, part of Exact Sciences
Classification: Likely benign for CCR2-related condition. Last evaluated: 2019-05-08. Review status: no assertion criteria provided. Collection method: clinical testing. Allele origin: germline.
Comment: This variant is classified as likely benign based on ACMG/AMP sequence variant interpretation guidelines (Richards et al. 2015 PMID: 25741868, with internal and published modifications).